The following is an entry in ClinVar:

ClinVar aggregate classification (germline): Uncertain significance (1 of 4 stars; one submission).

Submission:

Labcorp Genetics (formerly Invitae), Labcorp
Classification: Uncertain significance. Last evaluated: 2022-05-09. Review status: criteria provided, single submitter. Criteria: Invitae Variant Classification Sherloc (09022015). Collection method: clinical testing. Allele origin: germline.
Comment: In summary, the available evidence is currently insufficient to determine the role of this variant in disease. Therefore, it has been classified as a Variant of Uncertain Significance. Algorithms developed to predict the effect of missense changes on protein structure and function are either unavailable or do not agree on the potential impact of this missense change (SIFT: "Deleterious"; PolyPhen-2: "Benign"; Align-GVGD: "Class C0"). This variant has not been reported in the literature in individuals affected with DISP1-related conditions. This variant is not present in population databases (gnomAD no frequency). This sequence change replaces isoleucine, which is neutral and non-polar, with phenylalanine, which is neutral and non-polar, at codon 18 of the DISP1 protein (p.Ile18Phe).

NM_001377229.1(DISP1):c.52A>T (p.Ile18Phe)

Gene: DISP1 (dispatched RND transporter family member 1; plus strand). Cytogenetic location: 1q41.
Variant type: single nucleotide variant.
Coding change: c.52A>T on transcript NM_001377229.1 (MANE Select); coding-DNA position 52, A replaced by T.
Protein change: p.Ile18Phe; replaces isoleucine 18 with phenylalanine.
Molecular consequence: missense variant. On other transcripts: 5 prime UTR variant (1).
Genome position (GRCh38, 1-based): chr1:222,942,875, A>T. VCF-style: chr1-222942875-A-T. GRCh37 (hg19) VCF-style: chr1-223116217-A-T.
Other names: c.-836A>T (NM_001350630.2); c.52A>T, p.Ile18Phe (NM_001369594.1, NM_001377228.1, NM_032890.5); short protein forms I18F.
Identifiers: ClinVar variation 2134866 (VCV002134866.4), dbSNP rs1674484231, ClinGen allele CA344742005.
Genomic context (GRCh38, chr1:222,942,875, plus strand): 5'-AATTGGAGCATGGCTATGAGCAATGGAAACAATGATTTTGTGGTTCTGAGCAACAGCAGC[A>T]TCGCAACCAGTGCTGCTAACCCGAGTCCCCTCACCCCCTGTGATGGAGACCATGCAGCCC-3'
Protein context (NP_001364158.1, residues 8-28): NDFVVLSNSS[Ile18Phe]ATSAANPSPL